The following is an entry in ClinVar:

ClinVar aggregate classification (germline): Pathogenic (1 of 4 stars; one submission).

Conditions:
Hereditary cancer-predisposing syndrome. Also called: Hereditary neoplastic syndrome; Tumor predisposition; Hereditary Cancer Syndrome; Neoplastic Syndromes, Hereditary. Identifiers: Orphanet 140162, MedGen C0027672, MeSH D009386, MONDO:0015356.

Submission:

Labcorp Genetics (formerly Invitae), Labcorp
Classification: Pathogenic for Hereditary cancer-predisposing syndrome. Last evaluated: 2022-01-13. Review status: criteria provided, single submitter. Criteria: Invitae Variant Classification Sherloc (09022015). Collection method: clinical testing. Allele origin: germline.
Comment: This sequence change creates a premature translational stop signal (p.Gln771*) in the RAD50 gene. It is expected to result in an absent or disrupted protein product. Loss-of-function variants in RAD50 are known to be pathogenic (PMID: 19409520). This variant is not present in population databases (gnomAD no frequency). This variant has not been reported in the literature in individuals affected with RAD50-related conditions. For these reasons, this variant has been classified as Pathogenic.

Literature cited by the submitters: PubMed 19409520.

NM_005732.4(RAD50):c.2311C>T (p.Gln771Ter)

Gene: RAD50 (RAD50 double strand break repair protein; plus strand). Cytogenetic location: 5q31.1.
Variant type: single nucleotide variant.
Coding change: c.2311C>T on transcript NM_005732.4 (MANE Select); coding-DNA position 2311, C replaced by T.
Protein change: p.Gln771Ter; replaces glutamine 771 with a stop codon.
Molecular consequence: nonsense.
Genome position (GRCh38, 1-based): chr5:132,603,403, C>T. VCF-style: chr5-132603403-C-T. GRCh37 (hg19) VCF-style: chr5-131939095-C-T.
Other names: short protein forms Q771*.
Identifiers: ClinVar variation 1956020 (VCV001956020.5), dbSNP rs749407085, ClinGen allele CA360954545.